The following is an entry in ClinVar:

NM_000016.6(ACADM):c.950A>T (p.Gln317Leu)

Gene: ACADM (acyl-CoA dehydrogenase medium chain; plus strand). Cytogenetic location: 1p31.1.
Variant type: single nucleotide variant.
Coding change: c.950A>T on transcript NM_000016.6 (MANE Select); coding-DNA position 950, A replaced by T.
Protein change: p.Gln317Leu; replaces glutamine 317 with leucine.
Molecular consequence: missense variant.
Genome position (GRCh38, 1-based): chr1:75,761,126, A>T. VCF-style: chr1-75761126-A-T. GRCh37 (hg19) VCF-style: chr1-76226811-A-T.
Other names: c.962A>T, p.Gln321Leu (NM_001127328.3); c.842A>T, p.Gln281Leu (NM_001286042.2); c.1049A>T, p.Gln350Leu (NM_001286043.2); c.383A>T, p.Gln128Leu (NM_001286044.2); short protein forms Q317L, Q350L, Q128L, Q281L, Q321L.
Identifiers: ClinVar variation 579509 (VCV000579509.8), dbSNP rs1557466604, ClinGen allele CA340817843.

ClinVar aggregate classification (germline): Likely pathogenic (1 of 4 stars; one submission).

Conditions:
Medium-chain acyl-coenzyme A dehydrogenase deficiency (ACADMD). Also called: CARNITINE DEFICIENCY SECONDARY TO MEDIUM-CHAIN ACYL-CoA DEHYDROGENASE DEFICIENCY; MCADD; MCADH DEFICIENCY; MCAD Deficiency; ACADM DEFICIENCY; Medium chain acyl-CoA dehydrogenase deficiency. Identifiers: Orphanet 42, MedGen C0220710, MONDO:0008721, OMIM 201450.

Allele frequency attached by ClinVar (database versions not stated): gnomAD exomes below 0.00001.
gnomAD v4.1: 1 of 1,613,888 alleles (0.000062%); highest among the groups gnomAD compares: Non-Finnish European, 0.000085%; no homozygotes.

Submission:

Labcorp Genetics (formerly Invitae), Labcorp
Classification: Likely pathogenic for Medium-chain acyl-coenzyme A dehydrogenase deficiency. Last evaluated: 2018-05-04. Review status: criteria provided, single submitter. Criteria: Invitae Variant Classification Sherloc (09022015). Collection method: clinical testing. Allele origin: germline.
Comment: This sequence change replaces glutamine with leucine at codon 317 of the ACADM protein (p.Gln317Leu). The glutamine residue is highly conserved and there is a moderate physicochemical difference between glutamine and leucine. In summary, the currently available evidence indicates that the variant is pathogenic, but additional data are needed to prove that conclusively. Therefore, this variant has been classified as Likely Pathogenic. Algorithms developed to predict the effect of missense changes on protein structure and function (SIFT, PolyPhen-2, Align-GVGD) all suggest that this variant is likely to be disruptive, but these predictions have not been confirmed by published functional studies and their clinical significance is uncertain. This finding is consistent with autosomal recessive inheritance, and suggests that this variant contributes to disease. This variant is not present in population databases (ExAC no frequency).